The following is an entry in ClinVar:

ClinVar aggregate classification (germline): Uncertain significance (1 of 4 stars; one submission).

Conditions:
Hepatic veno-occlusive disease-immunodeficiency syndrome. Also called: Hepatic Veno-Occlusive Disease with Immunodeficiency. Identifiers: Orphanet 79124, MedGen C1856128, MONDO:0009338, OMIM 235550. Disease mechanism: loss of function.

Submission:

Labcorp Genetics (formerly Invitae), Labcorp
Classification: Uncertain significance for Hepatic veno-occlusive disease-immunodeficiency syndrome. Last evaluated: 2022-08-19. Review status: criteria provided, single submitter. Criteria: Invitae Variant Classification Sherloc (09022015). Collection method: clinical testing. Allele origin: germline.
Comment: This variant has not been reported in the literature in individuals affected with SP110-related conditions. Algorithms developed to predict the effect of missense changes on protein structure and function are either unavailable or do not agree on the potential impact of this missense change (SIFT: "Deleterious"; PolyPhen-2: "Possibly Damaging"; Align-GVGD: "Class C0"). In summary, the available evidence is currently insufficient to determine the role of this variant in disease. Therefore, it has been classified as a Variant of Uncertain Significance. This sequence change replaces glutamic acid, which is acidic and polar, with glycine, which is neutral and non-polar, at codon 9 of the SP110 protein (p.Glu9Gly). This variant is not present in population databases (gnomAD no frequency).

NM_080424.4(SP110):c.26A>G (p.Glu9Gly)

Genes: SP110 (SP110 nuclear body protein; minus strand), SP140 (SP140 nuclear body protein; plus strand). Cytogenetic location: 2q37.1.
Variant type: single nucleotide variant.
Coding change: c.26A>G on transcript NM_080424.4 (MANE Select); coding-DNA position 26, A replaced by G.
Protein change: p.Glu9Gly; replaces glutamic acid 9 with glycine.
Molecular consequence: missense variant.
Genome position (GRCh38, 1-based): chr2:230,216,902, T>C on the plus strand (A>G on the coding strand, the complement: SP110 is on the minus strand). VCF-style: chr2-230216902-T-C. GRCh37 (hg19) VCF-style: chr2-231081617-T-C.
Other names: c.44A>G, p.Glu15Gly (NM_001185015.2, NM_001378442.1, NM_001378444.1 and 2 more transcripts); c.26A>G, p.Glu9Gly (NM_001378443.1, NM_001378447.1, NM_004509.5 and 1 more transcripts); short protein forms E15G, E9G.
Identifiers: ClinVar variation 1716830 (VCV001716830.5), dbSNP rs2470104982, ClinGen allele CA350919134.